The following is an entry in ClinVar:

NM_000038.6(APC):c.2192C>T (p.Ala731Val)

Gene: APC (APC regulator of Wnt signaling pathway; plus strand). Cytogenetic location: 5q22.2.
Variant type: single nucleotide variant.
Coding change: c.2192C>T on transcript NM_000038.6 (MANE Select); coding-DNA position 2192, C replaced by T.
Protein change: p.Ala731Val; replaces alanine 731 with valine.
Molecular consequence: missense variant.
Genome position (GRCh38, 1-based): chr5:112,837,786, C>T. VCF-style: chr5-112837786-C-T. GRCh37 (hg19) VCF-style: chr5-112173483-C-T.
Other names: c.2192C>T, p.Ala731Val (NM_001127510.3, NM_001354895.2); c.2138C>T, p.Ala713Val (NM_001127511.3); c.2246C>T, p.Ala749Val (NM_001354896.2); c.2222C>T, p.Ala741Val (NM_001354897.2); c.2117C>T, p.Ala706Val (NM_001354898.2); c.2108C>T, p.Ala703Val (NM_001354899.2); c.2069C>T, p.Ala690Val (NM_001354900.2); c.2015C>T, p.Ala672Val (NM_001354901.2); and 5 more; short protein forms A731V, A713V, A448V, A690V, A749V, A571V, A672V, A706V.
Identifiers: ClinVar variation 482461 (VCV000482461.5), dbSNP rs1554084002, ClinGen allele CA16026137.

ClinVar aggregate classification (germline): Uncertain significance (1 of 4 stars; one submission).

Conditions:
Hereditary cancer-predisposing syndrome. Also called: Neoplastic Syndromes, Hereditary; Tumor predisposition; Hereditary Cancer Syndrome; Hereditary neoplastic syndrome. Identifiers: Orphanet 140162, MedGen C0027672, MeSH D009386, MONDO:0015356.

Submission:

Ambry Genetics
Classification: Uncertain significance for Hereditary cancer-predisposing syndrome. Last evaluated: 2017-04-13. Review status: criteria provided, single submitter. Criteria: Ambry Variant Classification Scheme 2023. Collection method: clinical testing. Allele origin: germline.
Comment: The p.A731V variant (also known as c.2192C>T), located in coding exon 15 of the APC gene, results from a C to T substitution at nucleotide position 2192. The alanine at codon 731 is replaced by valine, an amino acid with similar properties. This amino acid position is highly conserved in available vertebrate species. In addition, in silico predictors for this gene do not accurately predict pathogenicity. Since supporting evidence is limited at this time, the clinical significance of this alteration remains unclear.